The following is an entry in ClinVar:

NM_003742.4(ABCB11):c.1727A>G (p.Asn576Ser)

Gene: ABCB11 (ATP binding cassette subfamily B member 11; minus strand). Cytogenetic location: 2q31.1.
Variant type: single nucleotide variant.
Coding change: c.1727A>G on transcript NM_003742.4 (MANE Select); coding-DNA position 1727, A replaced by G.
Protein change: p.Asn576Ser; replaces asparagine 576 with serine.
Molecular consequence: missense variant.
Genome position (GRCh38, 1-based): chr2:168,970,127, T>C on the plus strand (A>G on the coding strand, the complement: ABCB11 is on the minus strand). VCF-style: chr2-168970127-T-C. GRCh37 (hg19) VCF-style: chr2-169826637-T-C.
Other names: short protein forms N576S.
Identifiers: ClinVar variation 4846111 (VCV004846111.1).

ClinVar aggregate classification (germline): Uncertain significance (1 of 4 stars; one submission).

Conditions:
Familial intrahepatic cholestasis. Identifiers: Orphanet 284385, MedGen CN296401, MONDO:0017290.

Submission:

Genomenon, Inc
Classification: Uncertain significance for Familial intrahepatic cholestasis. Last evaluated: 2026-04-14. Review status: criteria provided, single submitter. Criteria: Genomenon Sequence Variant Interpretation Standards - Updated. Collection method: curation. Allele origin: germline. Affected: yes.
Comment: ABCB11 p.Asn576Ser (c.1727A>G) is a missense variant that changes the amino acid at residue 576 from Asparagine to Serine. This variant has been observed in at least one proband with an ABCB11-related disorder (PMID:26382629). It is absent or not present at a significant frequency in gnomAD. In silico models predict that this variant is possibly or probably damaging. In conclusion, we classify ABCB11 p.Asn576Ser (c.1727A>G) as a variant of uncertain significance.

Literature cited by the submitters: PubMed 26382629.